The following is an entry in ClinVar:

NM_006767.4(LZTR1):c.2160C>T (p.Phe720=)

Gene: LZTR1 (leucine zipper like post translational regulator 1; plus strand). Cytogenetic location: 22q11.21.
Variant type: single nucleotide variant.
Coding change: c.2160C>T on transcript NM_006767.4 (MANE Select); coding-DNA position 2160, C replaced by T.
Protein change: p.Phe720=; no amino-acid change (phenylalanine 720 retained).
Molecular consequence: synonymous variant.
Genome position (GRCh38, 1-based): chr22:20,996,053, C>T. VCF-style: chr22-20996053-C-T. GRCh37 (hg19) VCF-style: chr22-21350342-C-T.
Other names: p.Phe720=.
Identifiers: ClinVar variation 379653 (VCV000379653.74), dbSNP rs79640036, ClinGen allele CA10119260.
Genomic context (GRCh38, chr22:20,996,053, plus strand): 5'-GCCCGAAGATGGGCAGGTGAACATCTCCATCGGGGAGATGGTGCCCAGCAGGCAGGCCTT[C>T]GAGTCCATGCTGCGCTACATCTACTACGGCGAGGTCAACATGCCGCCCGAGGACTCGCTG-3'
Protein context (NP_006758.2, residues 710-730): IGEMVPSRQA[Phe720=]ESMLRYIYYG

ClinVar aggregate classification (germline): Benign/Likely benign. Review status: criteria provided, multiple submitters, no conflicts (2 of 4 stars). 14 submissions from 14 submitters: Benign (10); Likely benign (1). 3 of the submissions do not count toward it. Last evaluated 2026-02-04.

Conditions:
Cardiovascular phenotype. Identifiers: MedGen CN230736.
Hereditary cancer-predisposing syndrome. Also called: Tumor predisposition; Neoplastic Syndromes, Hereditary; Hereditary neoplastic syndrome; Hereditary Cancer Syndrome. Identifiers: Orphanet 140162, MedGen C0027672, MeSH D009386, MONDO:0015356.
LZTR1-related schwannomatosis. Also called: Schwannomatosis-2, susceptibility to; Schwannomatosis 2. Identifiers: Orphanet 93921, MedGen C3810283, MONDO:0014299, OMIM 615670.
Noonan syndrome 2 (NS2). Identifiers: Orphanet 648, MedGen C1854469, MONDO:0011531, OMIM 605275.
Noonan syndrome 10 (NS10). Identifiers: Orphanet 648, MedGen C4225280, MONDO:0014693, OMIM 616564.
Noonan syndrome and Noonan-related syndrome. Identifiers: Orphanet 98733, MedGen C5681679, MONDO:0020297.

Allele frequency attached by ClinVar (database versions not stated): gnomAD exomes 0.00192 and 0.00511; ExAC 0.00621; 1000 Genomes Project 0.01837; gnomAD 0.01880 and 0.01999; 1000 Genomes Project 30x 0.01921; TOPMed 0.02083; ESP Exome Variant Server 0.02168.
gnomAD v4.1: 5,830 of 1,613,434 alleles (0.36%); highest among the groups gnomAD compares: African/African-American, 6.7%; 178 homozygotes.

Submissions (14):

Labcorp Genetics (formerly Invitae), Labcorp
Classification: Benign. Last evaluated: 2026-02-04. Review status: criteria provided, single submitter. Criteria: Invitae Variant Classification Sherloc (09022015). Collection method: clinical testing. Allele origin: germline.

ARUP Laboratories, Molecular Genetics and Genomics, ARUP Laboratories
Classification: Benign. Last evaluated: 2025-03-27. Review status: criteria provided, single submitter. Criteria: ARUP Molecular Germline Variant Investigation Process 2024. Collection method: clinical testing. Allele origin: germline.

Blueprint Genetics
Classification: Likely benign. Last evaluated: 2024-11-13. Review status: criteria provided, single submitter. Criteria: ACMG Guidelines, 2015. Collection method: clinical testing. Allele origin: germline.

Mayo Clinic Laboratories, Mayo Clinic
Classification: Benign. Last evaluated: 2023-01-15. Review status: criteria provided, single submitter. Criteria: ACMG Guidelines, 2015. Collection method: clinical testing. Allele origin: germline. Observed: 21 variant alleles.

Department of Pathology and Laboratory Medicine, Sinai Health System
Classification: Benign for Noonan syndrome 2; LZTR1-related schwannomatosis; Noonan syndrome 10. Last evaluated: 2022-06-23. Review status: criteria provided, single submitter. Criteria: ACMG Guidelines, 2015. Collection method: clinical testing. Allele origin: germline. Affected: yes.

Genome Diagnostics Laboratory, The Hospital for Sick Children
Classification: Benign for Noonan syndrome and Noonan-related syndrome. Last evaluated: 2021-04-16. Review status: criteria provided, single submitter. Criteria: ACMG Guidelines, 2015. Collection method: clinical testing. Allele origin: germline.

Ambry Genetics
Classification: Benign for Cardiovascular phenotype; Hereditary cancer-predisposing syndrome. Last evaluated: 2020-03-19. Review status: criteria provided, single submitter. Criteria: Ambry Variant Classification Scheme 2023. Collection method: clinical testing. Allele origin: germline.

Laboratory for Molecular Medicine, Mass General Brigham Personalized Medicine
Classification: Benign. Last evaluated: 2018-12-28. Review status: criteria provided, single submitter. Criteria: LMM Criteria. Collection method: clinical testing. Allele origin: germline. Observed: 1 variant allele.
Comment: p.Phe720Phe in exon 18 of LZTR1: This variant is not expected to have clinical significance because it does not alter an amino acid residue, is not located within the splice consensus sequence, and has been identified in 6.83% (706/10338) of African chromosomes by the Exome Aggregation Consortium (ExAC; dbSNP rs79640036).

Women's Health and Genetics/Laboratory Corporation of America, LabCorp
Classification: Benign. Last evaluated: 2017-07-11. Review status: criteria provided, single submitter. Criteria: LabCorp Variant Classification Summary - May 2015. Collection method: clinical testing. Allele origin: germline.
Comment: Variant summary: The LZTR1 c.2160C>T (p.Phe720Phe) variant involves the alteration of a non-conserved nucleotide causing a synonymous change and 5/5 splice prediction tools predict no significant impact on normal splicing. ESE finder predicts that this variant may alter ESE binding. However, these predictions have yet to be confirmed by functional studies. This variant was found in 750/120752 control chromosomes (28 homozygotes), predominantly in the African subpopulation at a frequency of 0.068292 (706/10338). This frequency is about 13658 times the estimated maximal expected allele frequency of a pathogenic LZTR1 variant (0.000005), suggesting this is likely a benign polymorphism found primarily in population(s) of African origin. A clinical diagnostic laboratory classified this variant as benign. Taken together, this variant is classified as benign.

GeneDx
Classification: Benign. Last evaluated: 2016-11-07. Review status: criteria provided, single submitter. Criteria: GeneDx Variant Classification (06012015). Collection method: clinical testing. Allele origin: germline. Affected: yes.
Comment: This variant is considered likely benign or benign based on one or more of the following criteria: it is a conservative change, it occurs at a poorly conserved position in the protein, it is predicted to be benign by multiple in silico algorithms, and/or has population frequency not consistent with disease.

Breakthrough Genomics
Classification: Benign. Review status: criteria provided, single submitter. Criteria: ACMG Guidelines, 2015. Collection method: not provided. Allele origin: germline. Inheritance: Autosomal recessive inheritance. Affected: yes.

Clinical Genetics, Academic Medical Center
Classification: Benign. Review status: no assertion criteria provided. Collection method: clinical testing. Allele origin: germline. Affected: yes. Study: VKGL Data-share Consensus. Not counted in ClinVar's aggregate classification.

Genome Diagnostics Laboratory, Amsterdam University Medical Center
Classification: Benign. Review status: no assertion criteria provided. Collection method: clinical testing. Allele origin: germline. Affected: yes. Study: VKGL Data-share Consensus. Not counted in ClinVar's aggregate classification.

Joint Genome Diagnostic Labs from Nijmegen and Maastricht, Radboudumc and MUMC+
Classification: Benign. Review status: no assertion criteria provided. Collection method: clinical testing. Allele origin: germline. Affected: yes. Study: VKGL Data-share Consensus. Not counted in ClinVar's aggregate classification.